The following is an entry in ClinVar:

NM_016417.3(GLRX5):c.20G>A (p.Arg7Gln)

Gene: GLRX5 (glutaredoxin 5; plus strand). Cytogenetic location: 14q32.13.
Variant type: single nucleotide variant.
Coding change: c.20G>A on transcript NM_016417.3 (MANE Select); coding-DNA position 20, G replaced by A.
Protein change: p.Arg7Gln; replaces arginine 7 with glutamine.
Molecular consequence: missense variant.
Genome position (GRCh38, 1-based): chr14:95,535,109, G>A. VCF-style: chr14-95535109-G-A. GRCh37 (hg19) VCF-style: chr14-96001446-G-A.
Other names: short protein forms R7Q.
Identifiers: ClinVar variation 1473408 (VCV001473408.6), dbSNP rs1388603479, ClinGen allele CA390896148.

ClinVar aggregate classification (germline): Uncertain significance (1 of 4 stars; one submission).

Allele frequency attached by ClinVar (database versions not stated): gnomAD exomes 0.00005; 1000 Genomes Project 30x 0.00047.
gnomAD v4.1: 8 of 1,312,492 alleles (0.00061%); highest among the groups gnomAD compares: Admixed American, 0.0059%; no homozygotes.

Submission:

Labcorp Genetics (formerly Invitae), Labcorp
Classification: Uncertain significance. Last evaluated: 2022-08-22. Review status: criteria provided, single submitter. Criteria: Invitae Variant Classification Sherloc (09022015). Collection method: clinical testing. Allele origin: germline.
Comment: Algorithms developed to predict the effect of missense changes on protein structure and function are either unavailable or do not agree on the potential impact of this missense change (SIFT: "Tolerated"; PolyPhen-2: "Not Available"; Align-GVGD: "Class C0"). In summary, the available evidence is currently insufficient to determine the role of this variant in disease. Therefore, it has been classified as a Variant of Uncertain Significance. ClinVar contains an entry for this variant (Variation ID: 1473408). This variant has not been reported in the literature in individuals affected with GLRX5-related conditions. The frequency data for this variant in the population databases is considered unreliable, as metrics indicate poor data quality at this position in the gnomAD database. This sequence change replaces arginine, which is basic and polar, with glutamine, which is neutral and polar, at codon 7 of the GLRX5 protein (p.Arg7Gln).